The following is an entry in ClinVar:

NM_001111.5(ADAR):c.1462C>A (p.Pro488Thr)

Gene: ADAR (adenosine deaminase RNA specific; minus strand). Cytogenetic location: 1q21.3.
Variant type: single nucleotide variant.
Coding change: c.1462C>A on transcript NM_001111.5 (MANE Select); coding-DNA position 1462, C replaced by A.
Protein change: p.Pro488Thr; replaces proline 488 with threonine.
Molecular consequence: missense variant.
Genome position (GRCh38, 1-based): chr1:154,601,180, G>T on the plus strand (C>A on the coding strand, the complement: ADAR is on the minus strand). VCF-style: chr1-154601180-G-T. GRCh37 (hg19) VCF-style: chr1-154573656-G-T.
Other names: c.577C>A, p.Pro193Thr (NM_001025107.3, NM_001193495.2, NM_001365046.1 and 3 more transcripts); c.1489C>A, p.Pro497Thr (NM_001365045.1); c.1462C>A, p.Pro488Thr (NM_015840.4, NM_015841.4); short protein forms P497T, P193T, P488T.
Identifiers: ClinVar variation 2093456 (VCV002093456.6), dbSNP rs397514505, ClinGen allele CA342596224.

ClinVar aggregate classification (germline): Uncertain significance. Review status: criteria provided, multiple submitters, no conflicts (2 of 4 stars). 2 submissions from 2 submitters: Uncertain significance (2). Last evaluated 2025-04-04.

Conditions:
Symmetrical dyschromatosis of extremities (DSH). Also called: DYSCHROMATOSIS SYMMETRICA HEREDITARIA 1; RETICULATE ACROPIGMENTATION OF DOHI; SYMMETRIC DYSCHROMATOSIS OF THE EXTREMITIES; Dyschromatosis symmetrica hereditaria. Identifiers: Orphanet 41, MedGen C0406775, MONDO:0007483, OMIM 127400.
Aicardi-Goutieres syndrome 6 (AGS6). Identifiers: Orphanet 51, MedGen C3539013, MONDO:0014007, OMIM 615010.

Submissions (2):

Dasa
Classification: Uncertain significance. Last evaluated: 2025-04-04. Review status: criteria provided, single submitter. Criteria: DASA Assertion Criteria. Collection method: clinical testing. Allele origin: germline.
Comment: NM_001111.5(ADAR):c.1462C>A (p.Pro488Thr) is a missense variant that results in the substitution of proline with threonine. This variant has been observed in affected individuals with ADAR-related disorders. Also, this variant is absent from population databases. Computational prediction algorithms are consistent with a benign effect. The currently available literature and clinical evidence are not sufficient to establish a definitive association between this variant and the reported condition. Therefore, this variant is classified as a variant of uncertain significance.

Labcorp Genetics (formerly Invitae), Labcorp
Classification: Uncertain significance for Aicardi-Goutieres syndrome 6; Symmetrical dyschromatosis of extremities. Last evaluated: 2025-03-03. Review status: criteria provided, single submitter. Criteria: Invitae Variant Classification Sherloc (09022015). Collection method: clinical testing. Allele origin: germline.
Comment: This sequence change replaces proline, which is neutral and non-polar, with threonine, which is neutral and polar, at codon 488 of the ADAR protein (p.Pro488Thr). This variant is not present in population databases (gnomAD no frequency). This variant has not been reported in the literature in individuals affected with ADAR-related conditions. ClinVar contains an entry for this variant (Variation ID: 2093456). Invitae Evidence Modeling of protein sequence and biophysical properties (such as structural, functional, and spatial information, amino acid conservation, physicochemical variation, residue mobility, and thermodynamic stability) indicates that this missense variant is not expected to disrupt ADAR protein function with a negative predictive value of 80%. In summary, the available evidence is currently insufficient to determine the role of this variant in disease. Therefore, it has been classified as a Variant of Uncertain Significance.